The following is an entry in ClinVar:

NM_006005.3(WFS1):c.2089A>G (p.Arg697Gly)

Gene: WFS1 (wolframin ER transmembrane glycoprotein; plus strand). Cytogenetic location: 4p16.1.
Variant type: single nucleotide variant.
Coding change: c.2089A>G on transcript NM_006005.3 (MANE Select); coding-DNA position 2089, A replaced by G.
Protein change: p.Arg697Gly; replaces arginine 697 with glycine.
Molecular consequence: missense variant.
Genome position (GRCh38, 1-based): chr4:6,301,884, A>G. VCF-style: chr4-6301884-A-G. GRCh37 (hg19) VCF-style: chr4-6303611-A-G.
Other names: c.2089A>G, p.Arg697Gly (NM_001145853.1); short protein forms R697G.
Identifiers: ClinVar variation 1426730 (VCV001426730.9), dbSNP rs1403912314, ClinGen allele CA356177679.

ClinVar aggregate classification (germline): Uncertain significance. Review status: criteria provided, multiple submitters, no conflicts (2 of 4 stars). 2 submissions from 2 submitters: Uncertain significance (2). Last evaluated 2025-11-26.

Conditions:
Inborn genetic diseases. Identifiers: MedGen C0950123, MeSH D030342.

Allele frequency attached by ClinVar (database versions not stated): gnomAD exomes below 0.00001.
gnomAD v4.1: 2 of 1,612,858 alleles (0.00012%); highest among the groups gnomAD compares: Non-Finnish European, 0.00017%; no homozygotes.

Submissions (2):

Ambry Genetics
Classification: Uncertain significance for Inborn genetic diseases. Last evaluated: 2025-11-26. Review status: criteria provided, single submitter. Criteria: Ambry Variant Classification Scheme 2023. Collection method: clinical testing. Allele origin: germline.

Labcorp Genetics (formerly Invitae), Labcorp
Classification: Uncertain significance. Last evaluated: 2023-04-09. Review status: criteria provided, single submitter. Criteria: Invitae Variant Classification Sherloc (09022015). Collection method: clinical testing. Allele origin: germline.
Comment: In summary, the available evidence is currently insufficient to determine the role of this variant in disease. Therefore, it has been classified as a Variant of Uncertain Significance. Advanced modeling of protein sequence and biophysical properties (such as structural, functional, and spatial information, amino acid conservation, physicochemical variation, residue mobility, and thermodynamic stability) has been performed at Invitae for this missense variant, however the output from this modeling did not meet the statistical confidence thresholds required to predict the impact of this variant on WFS1 protein function. ClinVar contains an entry for this variant (Variation ID: 1426730). This variant has not been reported in the literature in individuals affected with WFS1-related conditions. This variant is present in population databases (no rsID available, gnomAD 0.0009%). This sequence change replaces arginine, which is basic and polar, with glycine, which is neutral and non-polar, at codon 697 of the WFS1 protein (p.Arg697Gly).